The following is an entry in ClinVar:

ClinVar aggregate classification (germline): Uncertain significance (1 of 4 stars; one submission).

Submission:

CeGaT Center for Human Genetics Tuebingen
Classification: Uncertain significance. Last evaluated: 2024-08-01. Review status: criteria provided, single submitter. Criteria: CeGaT Center For Human Genetics Tuebingen Variant Classification Criteria Version 2. Collection method: clinical testing. Allele origin: germline. Affected: yes. Observed: 1 variant allele.
Comment: MAST3: PM2, PS2:Supporting

NM_001393504.1(MAST3):c.3493C>A (p.Pro1165Thr)

Gene: MAST3 (microtubule associated serine/threonine kinase 3; plus strand). Cytogenetic location: 19p13.11.
Variant type: single nucleotide variant.
Coding change: c.3493C>A on transcript NM_001393504.1 (MANE Select); coding-DNA position 3493, C replaced by A.
Protein change: p.Pro1165Thr; replaces proline 1165 with threonine.
Molecular consequence: missense variant.
Genome position (GRCh38, 1-based): chr19:18,147,609, C>A. VCF-style: chr19-18147609-C-A. GRCh37 (hg19) VCF-style: chr19-18258419-C-A.
Other names: c.3517C>A, p.Pro1173Thr (NM_001393501.1); c.3496C>A, p.Pro1166Thr (NM_001393502.1); c.3493C>A, p.Pro1165Thr (NM_001393503.1); c.3463C>A, p.Pro1155Thr (NM_001393505.1); c.3445C>A, p.Pro1149Thr (NM_001393506.1, NM_001393507.1); c.3427C>A, p.Pro1143Thr (NM_001393508.1); c.3424C>A, p.Pro1142Thr (NM_001393509.1, NM_001393510.1); c.3421C>A, p.Pro1141Thr (NM_001393511.1, NM_001393512.1); and 9 more; short protein forms P1118T, P1126T, P1127T, P1132T, P1133T, P1134T, P1135T, P1136T.
Identifiers: ClinVar variation 3342105 (VCV003342105.16).
Genomic context (GRCh38, chr19:18,147,609, plus strand): 5'-CCCGGCTCGCCCACCCACAGCCTCTCCCCCAGCCCCACCACTCCCTGCCGAAGCCCAGCC[C>A]CTGATGTCCCAGCAGGTGGGTGCACCCCGACCCCCCACCACCCCGGCTACCCTGGGAGCA-3'
Protein context (NP_001380433.1, residues 1155-1175): SPTTPCRSPA[Pro1165Thr]DVPADTTASP